The following is an entry in ClinVar:

NM_001379286.1(ZNF423):c.523A>G (p.Lys175Glu)

Gene: ZNF423 (zinc finger protein 423; minus strand). Cytogenetic location: 16q12.1.
Variant type: single nucleotide variant.
Coding change: c.523A>G on transcript NM_001379286.1 (MANE Select); coding-DNA position 523, A replaced by G.
Protein change: p.Lys175Glu; replaces lysine 175 with glutamic acid.
Molecular consequence: missense variant.
Genome position (GRCh38, 1-based): chr16:49,638,653, T>C on the plus strand (A>G on the coding strand, the complement: ZNF423 is on the minus strand). VCF-style: chr16-49638653-T-C. GRCh37 (hg19) VCF-style: chr16-49672564-T-C.
Other names: c.319A>G, p.Lys107Glu (NM_001271620.2); c.148A>G, p.Lys50Glu (NM_001330533.2); c.499A>G, p.Lys167Glu (NM_015069.5); short protein forms K107E, K167E, K175E, K50E.
Identifiers: ClinVar variation 2002015 (VCV002002015.4), dbSNP rs1555516071, ClinGen allele CA395852289.

ClinVar aggregate classification (germline): Uncertain significance (1 of 4 stars; one submission).

Conditions:
Nephronophthisis 14 (NPHP14). Identifiers: Orphanet 2318, MedGen C3539071, MONDO:0013916, OMIM 614844.

Allele frequency attached by ClinVar (database versions not stated): gnomAD exomes below 0.00001.
gnomAD v4.1: 1 of 1,614,096 alleles (0.000062%); highest among the groups gnomAD compares: South Asian, 0.0011%; no homozygotes.

Submission:

Labcorp Genetics (formerly Invitae), Labcorp
Classification: Uncertain significance for Nephronophthisis 14. Last evaluated: 2022-10-17. Review status: criteria provided, single submitter. Criteria: Invitae Variant Classification Sherloc (09022015). Collection method: clinical testing. Allele origin: germline.
Comment: This sequence change replaces lysine, which is basic and polar, with glutamic acid, which is acidic and polar, at codon 167 of the ZNF423 protein (p.Lys167Glu). This variant is not present in population databases (gnomAD no frequency). This variant has not been reported in the literature in individuals affected with ZNF423-related conditions. Advanced modeling of protein sequence and biophysical properties (such as structural, functional, and spatial information, amino acid conservation, physicochemical variation, residue mobility, and thermodynamic stability) performed at Invitae indicates that this missense variant is not expected to disrupt ZNF423 protein function. In summary, the available evidence is currently insufficient to determine the role of this variant in disease. Therefore, it has been classified as a Variant of Uncertain Significance.